The following is an entry in ClinVar:

ClinVar aggregate classification (germline): Pathogenic/Likely pathogenic. Review status: criteria provided, multiple submitters, no conflicts (2 of 4 stars). 4 submissions from 4 submitters: Pathogenic (3); Likely pathogenic (1). Last evaluated 2025-04-17.

Conditions:
Usher syndrome type 1 (USH1). Also called: RETINITIS PIGMENTOSA AND CONGENITAL DEAFNESS. Identifiers: Orphanet 231169, Orphanet 886, MedGen C1568247, MONDO:0010168, OMIM 276900.
Autosomal recessive nonsyndromic hearing loss 12. Also called: DEAFNESS, AUTOSOMAL RECESSIVE 12. Identifiers: Orphanet 90636, MedGen C1832394, MONDO:0011067, OMIM 601386.
Pituitary adenoma 5, multiple types. Identifiers: MedGen C4539685, MONDO:0054601, OMIM 617540.
Usher syndrome type 1D (USH1D). Also called: USHER SYNDROME, TYPE ID. Identifiers: Orphanet 231169, Orphanet 886, MedGen C1832845, MONDO:0010984, OMIM 601067.

Allele frequency attached by ClinVar (database versions not stated): gnomAD exomes below 0.00001 and 0.00001; ExAC 0.00001; gnomAD 0.00001; TOPMed 0.00002.
gnomAD v4.1: 3 of 1,613,838 alleles (0.00019%); highest among the groups gnomAD compares: Admixed American, 0.0033%; no homozygotes.

Submissions (4):

Labcorp Genetics (formerly Invitae), Labcorp
Classification: Pathogenic. Last evaluated: 2025-04-17. Review status: criteria provided, single submitter. Criteria: Invitae Variant Classification Sherloc (09022015). Collection method: clinical testing. Allele origin: germline.
Comment: This sequence change creates a premature translational stop signal (p.Arg2795*) in the CDH23 gene. It is expected to result in an absent or disrupted protein product. Loss-of-function variants in CDH23 are known to be pathogenic (PMID: 11138009, 21940737). This variant is present in population databases (rs768834772, gnomAD 0.006%). This variant has not been reported in the literature in individuals affected with CDH23-related conditions. ClinVar contains an entry for this variant (Variation ID: 1068921). For these reasons, this variant has been classified as Pathogenic.

Natera, Inc.
Classification: Likely pathogenic for Usher syndrome type 1. Last evaluated: 2024-06-17. Review status: criteria provided, single submitter. Criteria: Natera Variant Classification Schema (03/2026). Collection method: clinical testing. Allele origin: germline.
Comment: The c.8383C>T variant in CDH23 is a nonsense variant predicted to introduce a stop codon at amino acid 2795. This variant is expected to result in nonsense mediated decay, truncation, or a dysfunctional protein product. This variant is rare in the general population with a frequency below the threshold expected for the associated phenotype(s). Given the available evidence, this variant is classified as Likely Pathogenic.

Fulgent Genetics
Classification: Pathogenic for Usher syndrome type 1D; Autosomal recessive nonsyndromic hearing loss 12; Pituitary adenoma 5, multiple types. Last evaluated: 2024-03-25. Review status: criteria provided, single submitter. Criteria: ACMG Guidelines, 2015. Collection method: clinical testing. Allele origin: germline.

Clinical Genetics Service, Universitary Hospital 12 de Octubre
Classification: Pathogenic for Autosomal recessive nonsyndromic hearing loss 12. Review status: criteria provided, single submitter. Criteria: ACMG Guidelines, 2015. Collection method: clinical testing. Allele origin: maternal. Affected: yes.

Literature cited by the submitters: PubMed 11138009 (cited by Labcorp Genetics (formerly Invitae), Labcorp); PubMed 21940737 (cited by Labcorp Genetics (formerly Invitae), Labcorp).

NM_022124.6(CDH23):c.8383C>T (p.Arg2795Ter)

Gene: CDH23 (cadherin related 23; plus strand). Cytogenetic location: 10q22.1.
Variant type: single nucleotide variant.
Coding change: c.8383C>T on transcript NM_022124.6 (MANE Select); coding-DNA position 8383, C replaced by T.
Protein change: p.Arg2795Ter; replaces arginine 2795 with a stop codon.
Molecular consequence: nonsense.
Genome position (GRCh38, 1-based): chr10:71,807,590, C>T. VCF-style: chr10-71807590-C-T. GRCh37 (hg19) VCF-style: chr10-73567347-C-T.
Other names: c.1663C>T, p.Arg555Ter (NM_001171933.1, NM_001171934.1); c.8383C>T (NM_022124.5); short protein forms R2795*, R555*.
Identifiers: ClinVar variation 1068921 (VCV001068921.10), dbSNP rs768834772, ClinGen allele CA5546639.